The following is an entry in ClinVar:

NM_002637.4(PHKA1):c.*231A>T

Gene: PHKA1 (phosphorylase kinase regulatory subunit alpha 1; minus strand). Cytogenetic location: Xq13.1.
Variant type: single nucleotide variant.
Coding change: c.*231A>T on transcript NM_002637.4 (MANE Select); 231 bases downstream of the stop codon, A replaced by T.
Molecular consequence: 3 prime UTR variant.
Genome position (GRCh38, 1-based): chrX:72,580,771, T>A on the plus strand (A>T on the coding strand, the complement: PHKA1 is on the minus strand). VCF-style: chrX-72580771-T-A. GRCh37 (hg19) VCF-style: chrX-71800621-T-A.
Other names: c.*231A>T (NM_001122670.2, NM_001172436.2).
Identifiers: ClinVar variation 368641 (VCV000368641.5), dbSNP rs374264624, ClinGen allele CA10652033.
Genomic context (GRCh38, chrX:72,580,771, plus strand): 5'-ACATGCAAACTTTTATGAATGATGAAAGAAATAAAGCCAATCATGACAGGCCTGGCTGAG[T>A]GTTCATTATACTCATAAGATTGTCACTGGTTCTGCAAGGTGAGCCTCCAGGTAAGTGTTC-3'

ClinVar aggregate classification (germline): Benign (1 of 4 stars; one submission).

Conditions:
Glycogen storage disease IXd (GSD9D). Also called: GSD IXd; Muscle Phosphorylase Kinase Deficiency. Identifiers: Orphanet 715, MedGen C1845151, MONDO:0010362, OMIM 300559.

Allele frequency attached by ClinVar (database versions not stated): 1000 Genomes Project 30x 0.00104; 1000 Genomes Project 0.00132; gnomAD 0.00291 and 0.00308; TOPMed 0.00295; gnomAD exomes 0.00373.
gnomAD v4.1: 1,516 of 430,941 alleles (0.35%); highest among the groups gnomAD compares: Middle Eastern, 0.63%; 7 homozygotes.

Submission:

Illumina Laboratory Services, Illumina
Classification: Benign for Glycogen storage disease IXd. Last evaluated: 2018-01-13. Review status: criteria provided, single submitter. Criteria: ICSL Variant Classification Criteria 13 December 2019. Collection method: clinical testing. Allele origin: germline.
Comment: This variant was observed in the ICSL laboratory as part of a predisposition screen in an ostensibly healthy population. It had not been previously curated by ICSL or reported in the Human Gene Mutation Database (HGMD: prior to June 1st, 2018), and was therefore a candidate for classification through an automated scoring system. Utilizing variant allele frequency, disease prevalence and penetrance estimates, and inheritance mode, an automated score was calculated to assess if this variant is too frequent to cause the disease. Based on the score and internal cut-off values, a variant classified as benign is not then subjected to further curation. The score for this variant resulted in a classification of benign for this disease.